The following is an entry in ClinVar:

NM_000038.6(APC):c.8506G>A (p.Gly2836Arg)

Gene: APC (APC regulator of Wnt signaling pathway; plus strand). Cytogenetic location: 5q22.2.
Variant type: single nucleotide variant.
Coding change: c.8506G>A on transcript NM_000038.6 (MANE Select); coding-DNA position 8506, G replaced by A.
Protein change: p.Gly2836Arg; replaces glycine 2836 with arginine.
Molecular consequence: missense variant.
Genome position (GRCh38, 1-based): chr5:112,844,100, G>A. VCF-style: chr5-112844100-G-A. GRCh37 (hg19) VCF-style: chr5-112179797-G-A.
Other names: c.8506G>A, p.Gly2836Arg (NM_001127510.3, NM_001354895.2); c.8452G>A, p.Gly2818Arg (NM_001127511.3); c.8560G>A, p.Gly2854Arg (NM_001354896.2); c.8536G>A, p.Gly2846Arg (NM_001354897.2); c.8431G>A, p.Gly2811Arg (NM_001354898.2); c.8422G>A, p.Gly2808Arg (NM_001354899.2); c.8383G>A, p.Gly2795Arg (NM_001354900.2); c.8329G>A, p.Gly2777Arg (NM_001354901.2); and 5 more; short protein forms G2818R, G2836R, G2553R, G2795R, G2811R, G2846R, G2676R, G2710R.
Identifiers: ClinVar variation 470147 (VCV000470147.17), dbSNP rs1427281586, ClinGen allele CA16039782.
Genomic context (GRCh38, chr5:112,844,100, plus strand): 5'-CGAGATTCCAAAACTGACAGCACAGAATCCAGTGGAACCCAAAGTCCTAAGCGCCATTCT[G>A]GGTCTTACCTTGTGACATCTGTTTAAAAGAGAGGAAGAATGAAACTAAGAAAATTCTATG-3'
Protein context (NP_000029.2, residues 2826-2843): SGTQSPKRHS[Gly2836Arg]SYLVTSV

ClinVar aggregate classification (germline): Uncertain significance. Review status: criteria provided, multiple submitters, no conflicts (2 of 4 stars). 2 submissions from 2 submitters: Uncertain significance (2). Last evaluated 2026-02-02.

Conditions:
Familial adenomatous polyposis 1 (FAP1). Also called: POLYPOSIS, ADENOMATOUS INTESTINAL; FAMILIAL ADENOMATOUS POLYPOSIS 1, ATTENUATED. Identifiers: MedGen C2713442, MONDO:0021056, OMIM 175100. Disease mechanism: loss of function.
Hereditary cancer-predisposing syndrome. Also called: Hereditary neoplastic syndrome; Neoplastic Syndromes, Hereditary; Tumor predisposition; Hereditary Cancer Syndrome. Identifiers: Orphanet 140162, MedGen C0027672, MeSH D009386, MONDO:0015356.

Allele frequency attached by ClinVar (database versions not stated): gnomAD exomes below 0.00001.
gnomAD v4.1: 2 of 1,612,494 alleles (0.00012%); highest among the groups gnomAD compares: Admixed American, 0.0017%; no homozygotes.

Submissions (2):

Labcorp Genetics (formerly Invitae), Labcorp
Classification: Uncertain significance for Familial adenomatous polyposis 1. Last evaluated: 2026-02-02. Review status: criteria provided, single submitter. Criteria: Invitae Variant Classification Sherloc (09022015). Collection method: clinical testing. Allele origin: germline.
Comment: This sequence change replaces glycine, which is neutral and non-polar, with arginine, which is basic and polar, at codon 2836 of the APC protein (p.Gly2836Arg). The frequency data for this variant in the population databases is considered unreliable, as metrics indicate poor data quality at this position in the gnomAD database. This variant has not been reported in the literature in individuals affected with APC-related conditions. ClinVar contains an entry for this variant (Variation ID: 470147). Invitae Evidence Modeling of protein sequence and biophysical properties (such as structural, functional, and spatial information, amino acid conservation, physicochemical variation, residue mobility, and thermodynamic stability) indicates that this missense variant is not expected to disrupt APC protein function with a negative predictive value of 95%. In summary, the available evidence is currently insufficient to determine the role of this variant in disease. Therefore, it has been classified as a Variant of Uncertain Significance.

Ambry Genetics
Classification: Uncertain significance for Hereditary cancer-predisposing syndrome. Last evaluated: 2023-06-09. Review status: criteria provided, single submitter. Criteria: Ambry Variant Classification Scheme 2023. Collection method: clinical testing. Allele origin: germline.
Comment: The p.G2836R variant (also known as c.8506G>A), located in coding exon 15 of the APC gene, results from a G to A substitution at nucleotide position 8506. The glycine at codon 2836 is replaced by arginine, an amino acid with dissimilar properties. This amino acid position is highly conserved in available vertebrate species. In addition, in silico predictors for this gene do not accurately predict pathogenicity. Since supporting evidence is limited at this time, the clinical significance of this alteration remains unclear.